The following is an entry in ClinVar:

NM_000074.3(CD40LG):c.373C>T (p.His125Tyr)

Gene: CD40LG (CD40 ligand; plus strand). Cytogenetic location: Xq26.3.
Variant type: single nucleotide variant.
Coding change: c.373C>T on transcript NM_000074.3 (MANE Select); coding-DNA position 373, C replaced by T.
Protein change: p.His125Tyr; replaces histidine 125 with tyrosine.
Molecular consequence: missense variant.
Genome position (GRCh38, 1-based): chrX:136,656,382, C>T. VCF-style: chrX-136656382-C-T. GRCh37 (hg19) VCF-style: chrX-135738541-C-T.
Other names: short protein forms H125Y.
Identifiers: ClinVar variation 648466 (VCV000648466.10), dbSNP rs1603321148, ClinGen allele CA414754977.

ClinVar aggregate classification (germline): Pathogenic/Likely pathogenic. Review status: criteria provided, multiple submitters, no conflicts (2 of 4 stars). 2 submissions from 2 submitters: Pathogenic (1); Likely pathogenic (1). Last evaluated 2022-06-20.

Conditions:
Hyper-IgM syndrome type 1. Also called: X-linked hyper-IgM syndrome; Immunodeficiency, X-linked, with hyper-IgM; CD40 Ligand Deficiency; Hyper-IgM Immunodeficiency Syndrome, Type 1. Identifiers: Orphanet 101088, MedGen C0398689, MONDO:0010626, OMIM 308230.

Submissions (2):

Labcorp Genetics (formerly Invitae), Labcorp
Classification: Pathogenic for Hyper-IgM syndrome type 1. Last evaluated: 2022-06-20. Review status: criteria provided, single submitter. Criteria: Invitae Variant Classification Sherloc (09022015). Collection method: clinical testing. Allele origin: germline.
Comment: For these reasons, this variant has been classified as Pathogenic. This variant disrupts the p.His125 amino acid residue in CD40LG. Other variant(s) that disrupt this residue have been observed in individuals with CD40LG-related conditions (PMID: 8889581), which suggests that this may be a clinically significant amino acid residue. Advanced modeling of protein sequence and biophysical properties (such as structural, functional, and spatial information, amino acid conservation, physicochemical variation, residue mobility, and thermodynamic stability) performed at Invitae indicates that this missense variant is expected to disrupt CD40LG protein function. ClinVar contains an entry for this variant (Variation ID: 648466). This missense change has been observed in individual(s) with clinical features of X-linked hyper-immunoglobulin M (IgM) syndrome (PMID: 22963373; Invitae). This variant is not present in population databases (gnomAD no frequency). This sequence change replaces histidine, which is basic and polar, with tyrosine, which is neutral and polar, at codon 125 of the CD40LG protein (p.His125Tyr).

Lifecell International Pvt. Ltd
Classification: Likely pathogenic for Hyper-IgM syndrome type 1. Review status: criteria provided, single submitter. Criteria: ACMG Guidelines, 2015. Collection method: clinical testing. Allele origin: germline. Inheritance: X-linked recessive inheritance. Affected: yes. Observed: 1 hemizygote.
Comment: A Hemizygote Missense variant c.373C>T in Exon 4 of the CD40LG gene that results in the amino acid substitution p.His125Tyr was identified. The observed variant is novel ingnomAD exomes and genomes. The severity of the impact of this variant on the protein is high, based on the effect of the protein and REVEL score. Rare Exome Variant EnsembleLearner (REVEL) is an ensembl method for predicting the pathogenicity of missense variants based on a combination of scores from 13 individual tools: MutPred, FATHMM v2.3, VEST 3.0, PolyPhen-2, SIFT, PROVEAN, MutationAssessor, MutationTaster, LRT, GERP++, SiPhy, phyloP, and phastCons. The REVEL score for an individual missense variant can range from 0 to 1, with higher scores reflecting greater likelihood that the variant is disease-causing. ClinVar has also classified this variant as Likely Pathogenic [Variation ID: 648466]. The variant has been previously reported in patients affected with Immunodeficiency with hyper IgM (Du, Xiao et al.,2019). For these reasons, this variant has been classified as Likely Pathogenic.

Literature cited by the submitters: PubMed 8889581 (cited by Labcorp Genetics (formerly Invitae), Labcorp); PubMed 22963373 (cited by Labcorp Genetics (formerly Invitae), Labcorp); PubMed 31179555 (cited by Lifecell International Pvt. Ltd).